The following is an entry in ClinVar:

NM_000173.7(GP1BA):c.1012dup (p.Met338fs)

Gene: GP1BA (glycoprotein Ib platelet subunit alpha; plus strand). Cytogenetic location: 17p13.2.
Variant type: Duplication.
Coding change: c.1012dup on transcript NM_000173.7 (MANE Select); coding-DNA position 1012, one base duplicated (A; older notation c.1012dupA).
Protein change: p.Met338fs; shifts the reading frame from methionine 338.
Molecular consequence: frameshift variant.
Genome position (GRCh38, 1-based): chr17:4,933,616, A duplicated; the last of 3 consecutive A bases (chr17:4,933,614-4,933,616); duplicating any one gives the same sequence. VCF-style (leftmost placement, unchanged base first): chr17-4933613-C-CA. GRCh37 (hg19) VCF-style: chr17-4836908-C-CA.
Other names: NM_000173.7:c.1012dup; short protein forms M338fs.
Identifiers: ClinVar variation 4539006 (VCV004539006.1).

ClinVar aggregate classification (germline): Likely pathogenic (3 of 4 stars; one submission).

Conditions:
Bernard Soulier syndrome (BSS). Also called: GLYCOPROTEIN Ib, PLATELET, DEFICIENCY OF; PLATELET GLYCOPROTEIN Ib DEFICIENCY; VON WILLEBRAND FACTOR RECEPTOR DEFICIENCY; Giant platelet syndrome; Hemorrhagiparous thrombocytic dystrophy; Giant platelet disease. Identifiers: Orphanet 274, MedGen C0005129, MeSH D001606, MONDO:0009276, OMIM 231200.

Submission:

ClinGen Platelet Disorders Variant Curation Expert Panel, ClinGen
Classification: Likely pathogenic for Bernard Soulier syndrome. Last evaluated: 2025-11-06. Review status: reviewed by expert panel. Criteria: ClinGen Platelet ACMG Specifications GP1BA V1.0.0. Collection method: curation. Allele origin: germline. Inheritance: Autosomal recessive inheritance.
Comment: The c.1012dup (p.Met338AsnfsTer13) variant in GP1BA is a frameshift variant that may cause loss of function of the protein, however it is predicted to escape nonsense mediated decay and remove >10% of the protein (PVS1_Strong). At least one patient (Patient BSS3.01 in PMID: 23402648) with this variant had aggregation absent for ristocetin and present for all other agonists and less than 10% expression of GPIba measured by flow cytometry, which is highly specific for Bernard-Soulier syndrome. Additionally, the patient had excessive mucocutaneous bleeding and macrothrombocytopenia which are consistent with Bernard-Soulier syndrome (PP4). This variant is absent from gnomAD v4.1.0 (PM2_Supporting). In summary, this variant meets the criteria to be classified as Likely Pathogenic for autosomal recessive Bernard-Soulier syndrome based on the ACMG/AMP criteria applied, as specified by the ClinGen PD VCEP: PVS1_Strong, PP4, PM3_Supporting and PM2_Supporting (VCEP specifications version 1).